The following is an entry in ClinVar:

ClinVar aggregate classification (germline): Uncertain significance. Review status: criteria provided, multiple submitters, no conflicts (2 of 4 stars). 2 submissions from 2 submitters: Uncertain significance (2). Last evaluated 2024-11-13.

Conditions:
Inborn genetic diseases. Identifiers: MedGen C0950123, MeSH D030342.

Allele frequency attached by ClinVar (database versions not stated): ExAC 0.00001; gnomAD 0.00001; TOPMed 0.00002.
gnomAD v4.1: 3 of 1,613,820 alleles (0.00019%); highest among the groups gnomAD compares: East Asian, 0.0045%; no homozygotes.

Submissions (2):

Labcorp Genetics (formerly Invitae), Labcorp
Classification: Uncertain significance. Last evaluated: 2024-11-13. Review status: criteria provided, single submitter. Criteria: Invitae Variant Classification Sherloc (09022015). Collection method: clinical testing. Allele origin: germline.
Comment: This sequence change replaces alanine, which is neutral and non-polar, with threonine, which is neutral and polar, at codon 1570 of the SRCAP protein (p.Ala1570Thr). This variant is present in population databases (rs757389822, gnomAD 0.01%). This variant has not been reported in the literature in individuals affected with SRCAP-related conditions. ClinVar contains an entry for this variant (Variation ID: 2550771). Invitae Evidence Modeling of protein sequence and biophysical properties (such as structural, functional, and spatial information, amino acid conservation, physicochemical variation, residue mobility, and thermodynamic stability) indicates that this missense variant is not expected to disrupt SRCAP protein function with a negative predictive value of 80%. In summary, the available evidence is currently insufficient to determine the role of this variant in disease. Therefore, it has been classified as a Variant of Uncertain Significance.

Ambry Genetics
Classification: Uncertain significance for Inborn genetic diseases. Last evaluated: 2023-06-07. Review status: criteria provided, single submitter. Criteria: Ambry Variant Classification Scheme 2023. Collection method: clinical testing. Allele origin: germline.

NM_006662.3(SRCAP):c.4708G>A (p.Ala1570Thr)

Gene: SRCAP (Snf2 related CREBBP activator protein; plus strand). Cytogenetic location: 16p11.2.
Variant type: single nucleotide variant.
Coding change: c.4708G>A on transcript NM_006662.3 (MANE Select); coding-DNA position 4708, G replaced by A.
Protein change: p.Ala1570Thr; replaces alanine 1570 with threonine.
Molecular consequence: missense variant.
Genome position (GRCh38, 1-based): chr16:30,724,132, G>A. VCF-style: chr16-30724132-G-A. GRCh37 (hg19) VCF-style: chr16-30735453-G-A.
Other names: short protein forms A1570T.
Identifiers: ClinVar variation 2550771 (VCV002550771.5), dbSNP rs757389822, ClinGen allele CA8011810.